The following is an entry in ClinVar:

NM_024685.4(BBS10):c.372T>A (p.Ser124=)

Gene: BBS10 (Bardet-Biedl syndrome 10; minus strand). Cytogenetic location: 12q21.2.
Variant type: single nucleotide variant.
Coding change: c.372T>A on transcript NM_024685.4 (MANE Select); coding-DNA position 372, T replaced by A.
Protein change: p.Ser124=; no amino-acid change (serine 124 retained).
Molecular consequence: synonymous variant.
Genome position (GRCh38, 1-based): chr12:76,347,613, A>T on the plus strand (T>A on the coding strand, the complement: BBS10 is on the minus strand). VCF-style: chr12-76347613-A-T. GRCh37 (hg19) VCF-style: chr12-76741393-A-T.
Other names: c.372T>A, p.Ser124= (LRG_1255t1).
Identifiers: ClinVar variation 596902 (VCV000596902.24), dbSNP rs143366878, ClinGen allele CA6694365.

ClinVar aggregate classification (germline): Conflicting classifications of pathogenicity. Review status: criteria provided, conflicting classifications (1 of 4 stars). 6 submissions from 6 submitters: Uncertain significance (2); Likely benign (2). 2 of the submissions do not count toward it. Last evaluated 2025-11-01.

Conditions:
BBS10-related disorder. Also called: BBS10-related condition.
Bardet-Biedl syndrome (BBS). Identifiers: Orphanet 110, MedGen C0752166, MONDO:0015229.
Bardet-Biedl syndrome 10 (BBS10). Identifiers: Orphanet 110, MedGen C1859568, MONDO:0014438, OMIM 615987.

Allele frequency attached by ClinVar (database versions not stated): gnomAD exomes 0.00005 and 0.00014; ExAC 0.00008; TOPMed 0.00011; ESP Exome Variant Server 0.00023; gnomAD 0.00013 and 0.00014.
gnomAD v4.1: 108 of 1,613,812 alleles (0.0067%); highest among the groups gnomAD compares: Non-Finnish European, 0.0036%; no homozygotes.

Submissions (6):

Labcorp Genetics (formerly Invitae), Labcorp
Classification: Likely benign for Bardet-Biedl syndrome. Last evaluated: 2025-11-01. Review status: criteria provided, single submitter. Criteria: Invitae Variant Classification Sherloc (09022015). Collection method: clinical testing. Allele origin: germline.

Blueprint Genetics
Classification: Likely benign. Last evaluated: 2024-06-28. Review status: criteria provided, single submitter. Criteria: ACMG Guidelines, 2015. Collection method: clinical testing. Allele origin: germline.

Eurofins Ntd Llc (ga)
Classification: Uncertain significance. Last evaluated: 2018-04-23. Review status: criteria provided, single submitter. Criteria: EGL ClinVar v180209 classification definitions. Collection method: clinical testing. Allele origin: germline. Observed: 1 variant allele, 1 heterozygote.

Illumina Laboratory Services, Illumina
Classification: Uncertain significance for Bardet-Biedl syndrome 10. Last evaluated: 2018-01-12. Review status: criteria provided, single submitter. Criteria: ICSL Variant Classification Criteria 13 December 2019. Collection method: clinical testing. Allele origin: germline.

PreventionGenetics, part of Exact Sciences
Classification: Likely benign for BBS10-related condition. Last evaluated: 2020-07-30. Review status: no assertion criteria provided. Collection method: clinical testing. Allele origin: germline. Not counted in ClinVar's aggregate classification.
Comment: This variant is classified as likely benign based on ACMG/AMP sequence variant interpretation guidelines (Richards et al. 2015 PMID: 25741868, with internal and published modifications).

Natera, Inc.
Classification: Likely benign for Bardet-Biedl syndrome type 10. Last evaluated: 2019-10-28. Review status: no assertion criteria provided. Collection method: clinical testing. Allele origin: germline. Not counted in ClinVar's aggregate classification.